The following is an entry in ClinVar:

NM_017775.4(TTC19):c.364G>A (p.Ala122Thr)

Gene: TTC19 (tetratricopeptide repeat domain 19; plus strand). Cytogenetic location: 17p12.
Variant type: single nucleotide variant.
Coding change: c.364G>A on transcript NM_017775.4 (MANE Select); coding-DNA position 364, G replaced by A.
Protein change: p.Ala122Thr; replaces alanine 122 with threonine.
Molecular consequence: missense variant.
Genome position (GRCh38, 1-based): chr17:16,001,966, G>A. VCF-style: chr17-16001966-G-A. GRCh37 (hg19) VCF-style: chr17-15905280-G-A.
Other names: c.43G>A, p.Ala15Thr (NM_001271420.2); short protein forms A122T, A15T.
Identifiers: ClinVar variation 321944 (VCV000321944.13), dbSNP rs377441281, ClinGen allele CA8407320.

ClinVar aggregate classification (germline): Uncertain significance. Review status: criteria provided, multiple submitters, no conflicts (2 of 4 stars). 5 submissions from 5 submitters: Uncertain significance (5). Last evaluated 2026-08-06.

Conditions:
Mitochondrial complex III deficiency nuclear type 2. Identifiers: MedGen C3554605, MONDO:0014063, OMIM 615157.

Allele frequency attached by ClinVar (database versions not stated): gnomAD exomes 0.00004 and 0.00009; gnomAD 0.00005 and 0.00006; ExAC 0.00007; ESP Exome Variant Server 0.00008; TOPMed 0.00008.
gnomAD v4.1: 73 of 1,613,222 alleles (0.0045%); highest among the groups gnomAD compares: Admixed American, 0.035%; no homozygotes.

Submissions (5):

OLLIN Analises Genomicas, OLLIN
Classification: Uncertain significance for Mitochondrial complex III deficiency nuclear type 2. Last evaluated: 2026-08-06. Review status: criteria provided, single submitter. Criteria: ACMG Guidelines 2015 PMID 25741868. Collection method: clinical testing. Allele origin: germline.
Comment: This missense variant, located in exon 3 (of 10), has been reported in ClinVar (accession VCV000321944.11) and in gnomAD with an allele frequency of 0.0045%. However, to our knowledge, it has not been reported in the scientific literature. In silico analysis predicts that this variant has a deleterious effect. According to the currently available evidence, this variant has been classified as uncertain significance (PM2_P, PP3).

Labcorp Genetics (formerly Invitae), Labcorp
Classification: Uncertain significance. Last evaluated: 2022-11-15. Review status: criteria provided, single submitter. Criteria: Invitae Variant Classification Sherloc (09022015). Collection method: clinical testing. Allele origin: germline.
Comment: In summary, the available evidence is currently insufficient to determine the role of this variant in disease. Therefore, it has been classified as a Variant of Uncertain Significance. Advanced modeling of protein sequence and biophysical properties (such as structural, functional, and spatial information, amino acid conservation, physicochemical variation, residue mobility, and thermodynamic stability) performed at Invitae indicates that this missense variant is not expected to disrupt TTC19 protein function. ClinVar contains an entry for this variant (Variation ID: 321944). This variant has not been reported in the literature in individuals affected with TTC19-related conditions. This variant is present in population databases (rs377441281, gnomAD 0.04%). This sequence change replaces alanine, which is neutral and non-polar, with threonine, which is neutral and polar, at codon 122 of the TTC19 protein (p.Ala122Thr).

Blueprint Genetics
Classification: Uncertain significance. Last evaluated: 2021-05-31. Review status: criteria provided, single submitter. Criteria: ACMG Guidelines, 2015. Collection method: clinical testing. Allele origin: germline.

Baylor Genetics
Classification: Uncertain significance for Mitochondrial complex III deficiency nuclear type 2. Last evaluated: 2018-09-05. Review status: criteria provided, single submitter. Criteria: ACMG Guidelines, 2015. Collection method: clinical testing. Allele origin: unknown. Affected: yes.
Comment: This variant was determined to be of uncertain significance according to ACMG Guidelines, 2015 [PMID:25741868].

Illumina Laboratory Services, Illumina
Classification: Uncertain significance for Mitochondrial complex III deficiency nuclear type 2. Last evaluated: 2018-01-13. Review status: criteria provided, single submitter. Criteria: ICSL Variant Classification Criteria 13 December 2019. Collection method: clinical testing. Allele origin: germline.